The following is an entry in ClinVar:

ClinVar aggregate classification (germline): Uncertain significance (1 of 4 stars; one submission).

gnomAD v4.1: 6 of 152,360 alleles (0.0039%); highest among the groups gnomAD compares: Admixed American, 0.013%; no homozygotes.

Submission:

Dasa
Classification: Uncertain significance. Last evaluated: 2025-11-03. Review status: criteria provided, single submitter. Criteria: DASA Assertion Criteria. Collection method: clinical testing. Allele origin: germline.
Comment: NM_000232.5(SGCB):c.*2169T>A is a sequence variant. This variant is rare in population databases. The currently available literature and clinical evidence are not sufficient to establish a definitive association between this variant and the reported condition. Therefore, this variant is classified as a variant of uncertain significance.

NM_000232.5(SGCB):c.*2169T>A

Gene: SGCB (sarcoglycan beta; minus strand). Cytogenetic location: 4q12.
Variant type: single nucleotide variant.
Coding change: c.*2169T>A on transcript NM_000232.5 (MANE Select); 2169 bases downstream of the stop codon, T replaced by A.
Molecular consequence: 3 prime UTR variant.
Genome position (GRCh38, 1-based): chr4:52,021,788, A>T on the plus strand (T>A on the coding strand, the complement: SGCB is on the minus strand). VCF-style: chr4-52021788-A-T. GRCh37 (hg19) VCF-style: chr4-52887954-A-T.
Other names: c.*2169T>A (NM_001440519.1, NM_001440520.1).
Identifiers: ClinVar variation 4880943 (VCV004880943.2).
Genomic context (GRCh38, chr4:52,021,788, plus strand): 5'-CTGCTTTCTAATAGATTTTCCAAGCTTATGTTTCAGGGAAAAAGCCAGGACTACCTGTAA[A>T]GTATCATAAAATGCTATGGCTGTTAACCTTCAGTTGTATAAAAACATCAAAATAGCCTCT-3'